The following is an entry in ClinVar:

GRCh38/hg38 1p36.33-36.23(chr1:859215-8747647)x1

Genes: GPR153 (G protein-coupled receptor 153; minus strand), HES2 (hes family bHLH transcription factor 2; minus strand), HES3 (hes family bHLH transcription factor 3; plus strand), HES4 (hes family bHLH transcription factor 4; minus strand), HES5 (hes family bHLH transcription factor 5; minus strand) and 517 more. Cytogenetic location: 1p36.33-36.23.
Variant type: copy number loss.
Change: copy number 1 (one copy instead of two) of chr1:859,215-8,747,647 (7.89 Mb, GRCh38 coordinates, 1-based), cytogenetic band 1p36.33-36.23.
Identifiers: ClinVar variation 58294 (VCV000058294.2).

ClinVar aggregate classification (germline): Pathogenic (1 of 4 stars; one submission).

Submission:

ISCA Site 6
Classification: Pathogenic. Last evaluated: 2011-08-12. Review status: criteria provided, single submitter. Criteria: Kaminsky et al. (Genet Med. 2011). Collection method: clinical testing. Allele origin: unknown. Affected: yes. Observed: 1 variant allele.
Comment: Copy number variation identified through the course of routine clinical cytogenomic testing in postnatal populations. Clinical assertions have been curated as described in Kaminsky et al. 2011.